The following is an entry in ClinVar:

NM_005726.6(TSFM):c.854C>T (p.Ser285Phe)

Gene: TSFM (Ts translation elongation factor, mitochondrial; plus strand). Cytogenetic location: 12q14.1.
Variant type: single nucleotide variant.
Coding change: c.854C>T on transcript NM_005726.6 (MANE Select); coding-DNA position 854, C replaced by T.
Protein change: p.Ser285Phe; replaces serine 285 with phenylalanine.
Molecular consequence: missense variant. On other transcripts: 3 prime UTR variant (1), intron variant (1).
Genome position (GRCh38, 1-based): chr12:57,796,459, C>T. VCF-style: chr12-57796459-C-T. GRCh37 (hg19) VCF-style: chr12-58190242-C-T.
Other names: c.*262C>T (NM_001172695.2); c.917C>T, p.Ser306Phe (NM_001172696.2); c.571+3386C>T (NM_001172697.2); short protein forms S306F, S285F.
Identifiers: ClinVar variation 1927264 (VCV001927264.2), dbSNP rs1434791354, ClinGen allele CA385531736.
Genomic context (GRCh38, chr12:57,796,459, plus strand): 5'-CCCTCTCTGTTGGCTCCCTGGACGATGAGCCTGGGGGAGAGGCAGAGACTAAGATGCTGT[C>T]CCAGCCGTATTTGCTGGATCCCTCCATTACCTTGGGGCAGTATGTGCAGCCTCAGGGGGT-3'
Protein context (NP_005717.3, residues 275-295): PGGEAETKML[Ser285Phe]QPYLLDPSIT

ClinVar aggregate classification (germline): Uncertain significance (1 of 4 stars; one submission).

Allele frequency attached by ClinVar (database versions not stated): TOPMed 0.00001; gnomAD exomes 0.00002.
gnomAD v4.1: 34 of 1,596,714 alleles (0.0021%); highest among the groups gnomAD compares: Non-Finnish European, 0.0025%; no homozygotes.

Submission:

Labcorp Genetics (formerly Invitae), Labcorp
Classification: Uncertain significance. Last evaluated: 2022-02-23. Review status: criteria provided, single submitter. Criteria: Invitae Variant Classification Sherloc (09022015). Collection method: clinical testing. Allele origin: germline.
Comment: This sequence change replaces serine, which is neutral and polar, with phenylalanine, which is neutral and non-polar, at codon 306 of the TSFM protein (p.Ser306Phe). This variant is present in population databases (no rsID available, gnomAD 0.003%). This variant has not been reported in the literature in individuals affected with TSFM-related conditions. Algorithms developed to predict the effect of missense changes on protein structure and function are either unavailable or do not agree on the potential impact of this missense change (SIFT: "Tolerated"; PolyPhen-2: "Possibly Damaging"; Align-GVGD: "Class C0"). In summary, the available evidence is currently insufficient to determine the role of this variant in disease. Therefore, it has been classified as a Variant of Uncertain Significance.